The following is an entry in ClinVar:

NM_000466.3(PEX1):c.3697C>T (p.His1233Tyr)

Genes: GATAD1 (GATA zinc finger domain containing 1; plus strand), PEX1 (peroxisomal biogenesis factor 1; minus strand). Cytogenetic location: 7q21.2.
Variant type: single nucleotide variant.
Coding change: c.3697C>T on transcript NM_000466.3 (MANE Select); coding-DNA position 3697, C replaced by T.
Protein change: p.His1233Tyr; replaces histidine 1233 with tyrosine.
Molecular consequence: missense variant.
Genome position (GRCh38, 1-based): chr7:92,489,363, G>A on the plus strand (C>T on the coding strand, the complement: PEX1 is on the minus strand). VCF-style: chr7-92489363-G-A. GRCh37 (hg19) VCF-style: chr7-92118677-G-A.
Other names: c.3526C>T, p.His1176Tyr (NM_001282677.2); c.3073C>T, p.His1025Tyr (NM_001282678.2); short protein forms H1025Y, H1233Y, H1176Y.
Identifiers: ClinVar variation 1965327 (VCV001965327.5), dbSNP rs2484609758, ClinGen allele CA368159709.

ClinVar aggregate classification (germline): Uncertain significance (1 of 4 stars; one submission).

Conditions:
Zellweger spectrum disorders (ZS). Also called: Zellweger Spectrum Disorder; Zellweger Spectrum; Zellweger Spectrum Disorder (ZSD); Zellweger syndrome. Identifiers: Orphanet 912, MedGen C0043459, MONDO:0019609.

Allele frequency attached by ClinVar (database versions not stated): gnomAD exomes below 0.00001.
gnomAD v4.1: 6 of 1,609,412 alleles (0.00037%); highest among the groups gnomAD compares: Non-Finnish European, 0.00051%; no homozygotes.

Submission:

Labcorp Genetics (formerly Invitae), Labcorp
Classification: Uncertain significance for Zellweger spectrum disorders. Last evaluated: 2022-07-19. Review status: criteria provided, single submitter. Criteria: Invitae Variant Classification Sherloc (09022015). Collection method: clinical testing. Allele origin: germline.
Comment: In summary, the available evidence is currently insufficient to determine the role of this variant in disease. Therefore, it has been classified as a Variant of Uncertain Significance. Algorithms developed to predict the effect of missense changes on protein structure and function are either unavailable or do not agree on the potential impact of this missense change (SIFT: "Tolerated"; PolyPhen-2: "Probably Damaging"; Align-GVGD: "Class C0"). This variant has not been reported in the literature in individuals affected with PEX1-related conditions. This variant is not present in population databases (gnomAD no frequency). This sequence change replaces histidine, which is basic and polar, with tyrosine, which is neutral and polar, at codon 1233 of the PEX1 protein (p.His1233Tyr).